The following is an entry in ClinVar:

ClinVar aggregate classification (germline): Conflicting classifications of pathogenicity. Review status: criteria provided, conflicting classifications (1 of 4 stars). 2 submissions from 2 submitters: Uncertain significance (1); Benign (1). Last evaluated 2025-06-07.

Conditions:
Inborn genetic diseases. Identifiers: MedGen C0950123, MeSH D030342.
Glomuvenous malformation. Also called: GLOMANGIOMAS, MULTIPLE; GLOMUS TUMORS, MULTIPLE; VENOUS MALFORMATIONS WITH GLOMUS CELLS; Familial glomangioma. Identifiers: Orphanet 83454, MedGen C1841984, MONDO:0007672, OMIM 138000.

Allele frequency attached by ClinVar (database versions not stated): gnomAD 0.00004 and 0.00007; TOPMed 0.00005; ESP Exome Variant Server 0.00015; 1000 Genomes Project 30x 0.00016; 1000 Genomes Project 0.00020.
gnomAD v4.1: 178 of 1,193,078 alleles (0.015%); highest among the groups gnomAD compares: South Asian, 0.096%; 1 homozygote.

Submissions (2):

Ambry Genetics
Classification: Uncertain significance for Inborn genetic diseases. Last evaluated: 2025-06-07. Review status: criteria provided, single submitter. Criteria: Ambry Variant Classification Scheme 2023. Collection method: clinical testing. Allele origin: germline.

Illumina Laboratory Services, Illumina
Classification: Benign for Glomuvenous malformation. Last evaluated: 2018-01-12. Review status: criteria provided, single submitter. Criteria: ICSL Variant Classification Criteria 13 December 2019. Collection method: clinical testing. Allele origin: germline.
Comment: This variant was observed in the ICSL laboratory as part of a predisposition screen in an ostensibly healthy population. It had not been previously curated by ICSL or reported in the Human Gene Mutation Database (HGMD: prior to June 1st, 2018), and was therefore a candidate for classification through an automated scoring system. Utilizing variant allele frequency, disease prevalence and penetrance estimates, and inheritance mode, an automated score was calculated to assess if this variant is too frequent to cause the disease. Based on the score and internal cut-off values, a variant classified as benign is not then subjected to further curation. The score for this variant resulted in a classification of benign for this disease.

NM_053274.3(GLMN):c.1482A>T (p.Leu494Phe)

Gene: GLMN (glomulin, FKBP associated protein; minus strand). Cytogenetic location: 1p22.1.
Variant type: single nucleotide variant.
Coding change: c.1482A>T on transcript NM_053274.3 (MANE Select); coding-DNA position 1482, A replaced by T.
Protein change: p.Leu494Phe; replaces leucine 494 with phenylalanine.
Molecular consequence: missense variant. On other transcripts: non-coding transcript variant (1).
Genome position (GRCh38, 1-based): chr1:92,247,981, T>A on the plus strand (A>T on the coding strand, the complement: GLMN is on the minus strand). VCF-style: chr1-92247981-T-A. GRCh37 (hg19) VCF-style: chr1-92713538-T-A.
Other names: c.1440A>T, p.Leu480Phe (NM_001319683.2); short protein forms L480F, L494F.
Identifiers: ClinVar variation 876494 (VCV000876494.5), dbSNP rs150536401, ClinGen allele CA950228.